The following is an entry in ClinVar:

ClinVar aggregate classification (germline): Likely benign. Review status: criteria provided, multiple submitters, no conflicts (2 of 4 stars). 3 submissions from 3 submitters: Likely benign (3). Last evaluated 2023-04-11.

Conditions:
Juvenile onset Parkinson disease 19A. Also called: PARK19; DNAJC6 Parkinson Disease. Identifiers: Orphanet 391411, MedGen C3809811, MONDO:0014231, OMIM 615528.

Allele frequency attached by ClinVar (database versions not stated): gnomAD 0.00003 and 0.00004; gnomAD exomes 0.00006; ExAC 0.00009.
gnomAD v4.1: 70 of 1,613,798 alleles (0.0043%); highest among the groups gnomAD compares: Non-Finnish European, 0.0058%; no homozygotes.

Submissions (3):

Genome-Nilou Lab
Classification: Likely benign for Juvenile onset Parkinson disease 19A. Last evaluated: 2023-04-11. Review status: criteria provided, single submitter. Criteria: ACMG Guidelines, 2015. Collection method: clinical testing. Allele origin: germline. Affected: no.

Labcorp Genetics (formerly Invitae), Labcorp
Classification: Likely benign for Juvenile onset Parkinson disease 19A. Last evaluated: 2022-07-29. Review status: criteria provided, single submitter. Criteria: Invitae Variant Classification Sherloc (09022015). Collection method: clinical testing. Allele origin: germline.

CeGaT Center for Human Genetics Tuebingen
Classification: Likely benign. Last evaluated: 2022-04-01. Review status: criteria provided, single submitter. Criteria: CeGaT Center For Human Genetics Tuebingen Variant Classification Criteria Version 2. Collection method: clinical testing. Allele origin: germline. Affected: yes. Observed: 1 variant allele.
Comment: DNAJC6: BP4, BP7

NM_001256864.2(DNAJC6):c.2526A>G (p.Leu842=)

Gene: DNAJC6 (DnaJ heat shock protein family (Hsp40) member C6; plus strand). Cytogenetic location: 1p31.3.
Variant type: single nucleotide variant.
Coding change: c.2526A>G on transcript NM_001256864.2 (MANE Select); coding-DNA position 2526, A replaced by G.
Protein change: p.Leu842=; no amino-acid change (leucine 842 retained).
Molecular consequence: synonymous variant.
Genome position (GRCh38, 1-based): chr1:65,408,675, A>G. VCF-style: chr1-65408675-A-G. GRCh37 (hg19) VCF-style: chr1-65874358-A-G.
Other names: c.2316A>G, p.Leu772= (NM_001256865.2); c.2355A>G, p.Leu785= (NM_014787.4).
Identifiers: ClinVar variation 1694517 (VCV001694517.37), dbSNP rs753691766, ClinGen allele CA894188.
Genomic context (GRCh38, chr1:65,408,675, plus strand): 5'-AATGATTTTCAAAAATTATATTGCAGAAGGGAAACAAAAAGCAGCTGATTTTGAAGACCT[A>G]CTCTCTGGTCAAGGTTTCAATGCTCACAAAGACAAAAAGGGGCCTCGGACAATAGCTGAG-3'
Protein context (NP_001243793.1, residues 832-852): GKQKAADFED[Leu842=]LSGQGFNAHK